The following is an entry in ClinVar:

NM_000256.3(MYBPC3):c.1486G>C (p.Glu496Gln)

Gene: MYBPC3 (myosin binding protein C3; minus strand). Cytogenetic location: 11p11.2.
Variant type: single nucleotide variant.
Coding change: c.1486G>C on transcript NM_000256.3 (MANE Select); coding-DNA position 1486, G replaced by C.
Protein change: p.Glu496Gln; replaces glutamic acid 496 with glutamine.
Molecular consequence: missense variant.
Genome position (GRCh38, 1-based): chr11:47,342,716, C>G on the plus strand (G>C on the coding strand, the complement: MYBPC3 is on the minus strand). VCF-style: chr11-47342716-C-G. GRCh37 (hg19) VCF-style: chr11-47364267-C-G.
Other names: c.1486G>C, p.Glu496Gln (LRG_386t1); short protein forms E496Q.
Identifiers: ClinVar variation 372420 (VCV000372420.3), dbSNP rs1057517768, ClinGen allele CA16042836.

ClinVar aggregate classification (germline): Uncertain significance. Review status: criteria provided, multiple submitters, no conflicts (2 of 4 stars). 2 submissions from 2 submitters: Uncertain significance (2). Last evaluated 2024-07-25.

Conditions:
Hypertrophic cardiomyopathy. Also called: HYPERTROPHIC MYOCARDIOPATHY. Identifiers: Orphanet 217569, MedGen C0007194, MeSH D002312, MONDO:0005045, HP:0001639.

Allele frequency attached by ClinVar (database versions not stated): gnomAD exomes below 0.00001.
gnomAD v4.1: 2 of 1,614,038 alleles (0.00012%); highest among the groups gnomAD compares: Non-Finnish European, 0.00017%; no homozygotes.

Submissions (2):

Labcorp Genetics (formerly Invitae), Labcorp
Classification: Uncertain significance for Hypertrophic cardiomyopathy. Last evaluated: 2024-07-25. Review status: criteria provided, single submitter. Criteria: Invitae Variant Classification Sherloc (09022015). Collection method: clinical testing. Allele origin: germline.
Comment: This sequence change replaces glutamic acid, which is acidic and polar, with glutamine, which is neutral and polar, at codon 496 of the MYBPC3 protein (p.Glu496Gln). This variant is not present in population databases (gnomAD no frequency). This variant has not been reported in the literature in individuals affected with MYBPC3-related conditions. ClinVar contains an entry for this variant (Variation ID: 372420). An algorithm developed to predict the effect of missense changes on protein structure and function (PolyPhen-2) suggests that this variant is likely to be disruptive. In summary, the available evidence is currently insufficient to determine the role of this variant in disease. Therefore, it has been classified as a Variant of Uncertain Significance.

GeneDx
Classification: Uncertain significance. Last evaluated: 2016-06-08. Review status: criteria provided, single submitter. Criteria: GeneDx Variant Classification (06012015). Collection method: clinical testing. Allele origin: germline. Affected: yes.
Comment: The E496Q variant of uncertain significance was identified in the MYBPC3 gene. This variant has not been published as a pathogenic variant, nor has it been reported as a benign variant to our knowledge. The E496Q variant was not observed in approximately 6,400 individuals of European and African American ancestry in the NHLBI Exome Sequencing Project, indicating it is not a common benign variant in these populations. The E496Q variant is a semi-conservative amino acid substitution, which may impact secondary protein structure as these residues differ in some properties. However, this substitution occurs at a position where amino acids with properties similar to Glutamic acid are tolerated across species and in silico analysis is inconsistent in its predictions as to whether this variant is damaging to the protein structure/function. Therefore, based on the currently available information, it is unclear whether the E496Q variant in the MYBPC3 gene is a pathogenic variant or a rare benign variant.